The following is an entry in ClinVar:

ClinVar aggregate classification (germline): Uncertain significance. Review status: criteria provided, multiple submitters, no conflicts (2 of 4 stars). 2 submissions from 2 submitters: Uncertain significance (2). Last evaluated 2025-11-09.

Allele frequency attached by ClinVar (database versions not stated): gnomAD 0.00002; gnomAD exomes 0.00005 and 0.00010; ExAC 0.00007; TOPMed 0.00007.
gnomAD v4.1: 68 of 1,613,772 alleles (0.0042%); highest among the groups gnomAD compares: East Asian, 0.14%; no homozygotes.

Submissions (2):

Labcorp Genetics (formerly Invitae), Labcorp
Classification: Uncertain significance. Last evaluated: 2025-11-09. Review status: criteria provided, single submitter. Criteria: Invitae Variant Classification Sherloc (09022015). Collection method: clinical testing. Allele origin: germline.
Comment: This sequence change replaces isoleucine, which is neutral and non-polar, with threonine, which is neutral and polar, at codon 218 of the GNAT1 protein (p.Ile218Thr). This variant is present in population databases (rs768364063, gnomAD 0.1%). This missense change has been observed in individual(s) with late onset high myopia (PMID: 29453956). ClinVar contains an entry for this variant (Variation ID: 1055855). Invitae Evidence Modeling of protein sequence and biophysical properties (such as structural, functional, and spatial information, amino acid conservation, physicochemical variation, residue mobility, and thermodynamic stability) indicates that this missense variant is expected to disrupt GNAT1 protein function with a positive predictive value of 80%. In summary, the available evidence is currently insufficient to determine the role of this variant in disease. Therefore, it has been classified as a Variant of Uncertain Significance.

Blueprint Genetics
Classification: Uncertain significance. Last evaluated: 2022-05-17. Review status: criteria provided, single submitter. Criteria: ACMG Guidelines, 2015. Collection method: clinical testing. Allele origin: germline.

Literature cited by the submitters: PubMed 29453956 (cited by Labcorp Genetics (formerly Invitae), Labcorp).

NM_144499.3(GNAT1):c.653T>C (p.Ile218Thr)

Gene: GNAT1 (G protein subunit alpha transducin 1; plus strand). Cytogenetic location: 3p21.31.
Variant type: single nucleotide variant.
Coding change: c.653T>C on transcript NM_144499.3 (MANE Select); coding-DNA position 653, T replaced by C.
Protein change: p.Ile218Thr; replaces isoleucine 218 with threonine.
Molecular consequence: missense variant.
Genome position (GRCh38, 1-based): chr3:50,194,166, T>C. VCF-style: chr3-50194166-T-C. GRCh37 (hg19) VCF-style: chr3-50231599-T-C.
Other names: c.653T>C, p.Ile218Thr (NM_000172.4); short protein forms I218T.
Identifiers: ClinVar variation 1055855 (VCV001055855.6), dbSNP rs768364063, ClinGen allele CA2412665.
Genomic context (GRCh38, chr3:50,194,166, plus strand): 5'-GCGGGCAGCGCTCGGAGCGCAAGAAGTGGATCCACTGCTTCGAGGGCGTGACCTGCATCA[T>C]CTTCATCGCGGCGCTGAGCGCCTACGACATGGTGCTAGTGGAGGACGACGAAGTGGTGCG-3'
Protein context (NP_653082.1, residues 208-228): IHCFEGVTCI[Ile218Thr]FIAALSAYDM